The following is an entry in ClinVar:

ClinVar aggregate classification (germline): Uncertain significance (1 of 4 stars; one submission).

Conditions:
Wilson disease (WND). Also called: Wilson's disease. Identifiers: Orphanet 905, MedGen C0019202, MONDO:0010200, OMIM 277900. Disease mechanism: loss of function.

Submission:

SIB Swiss Institute of Bioinformatics
Classification: Uncertain significance for Wilson disease. Last evaluated: 2018-10-15. Review status: criteria provided, single submitter. Criteria: ACMG Guidelines, 2015. Collection method: curation. Allele origin: unknown.
Comment: This variant is interpreted as Uncertain Significance - Insufficient Evidence, for Wilson disease, autosomal recessive. The following ACMG Tag(s) were applied: PM2 => Absent from controls (or at extremely low frequency if recessive) in Exome Sequencing Project, 1000 Genomes Project, or Exome Aggregation Consortium. PM5 => Novel missense change at an amino acid residue where a different missense change determined to be pathogenic has been seen before. PP3 => Multiple lines of computational evidence support a deleterious effect on the gene or gene product.

NM_000053.4(ATP7B):c.1771G>A (p.Gly591Ser)

Gene: ATP7B (ATPase copper transporting beta; minus strand). Cytogenetic location: 13q14.3.
Variant type: single nucleotide variant.
Coding change: c.1771G>A on transcript NM_000053.4 (MANE Select); coding-DNA position 1771, G replaced by A.
Protein change: p.Gly591Ser; replaces glycine 591 with serine.
Molecular consequence: missense variant.
Genome position (GRCh38, 1-based): chr13:51,964,970, C>T on the plus strand (G>A on the coding strand, the complement: ATP7B is on the minus strand). VCF-style: chr13-51964970-C-T. GRCh37 (hg19) VCF-style: chr13-52539106-C-T.
Other names: c.1771G>A, p.Gly591Ser (NM_001005918.3, NM_001330578.2, NM_001330579.2); c.1438G>A, p.Gly480Ser (NM_001243182.2); short protein forms G591S, G480S.
Identifiers: ClinVar variation 617913 (VCV000617913.1), dbSNP rs1566559224, ClinGen allele CA388030768.